The following is an entry in ClinVar:

NM_201384.3(PLEC):c.10870G>A (p.Glu3624Lys)

Gene: PLEC (plectin; minus strand). Cytogenetic location: 8q24.3.
Variant type: single nucleotide variant.
Coding change: c.10870G>A on transcript NM_201384.3 (MANE Select); coding-DNA position 10870, G replaced by A.
Protein change: p.Glu3624Lys; replaces glutamic acid 3624 with lysine.
Molecular consequence: missense variant.
Genome position (GRCh38, 1-based): chr8:143,918,951, C>T on the plus strand (G>A on the coding strand, the complement: PLEC is on the minus strand). VCF-style: chr8-143918951-C-T. GRCh37 (hg19) VCF-style: chr8-144993119-C-T.
Other names: c.10951G>A, p.Glu3651Lys (NM_000445.5); c.10828G>A, p.Glu3610Lys (NM_201378.4); c.10804G>A, p.Glu3602Lys (NM_201379.3); c.11281G>A, p.Glu3761Lys (NM_201380.4); c.10774G>A, p.Glu3592Lys (NM_201381.3); c.10870G>A, p.Glu3624Lys (NM_201382.4); c.10882G>A, p.Glu3628Lys (NM_201383.3); short protein forms E3602K, E3610K, E3624K, E3628K, E3651K, E3761K, E3592K.
Identifiers: ClinVar variation 471519 (VCV000471519.10), dbSNP rs554393133, ClinGen allele CA4924510.

ClinVar aggregate classification (germline): Uncertain significance. Review status: criteria provided, multiple submitters, no conflicts (2 of 4 stars). 3 submissions from 3 submitters: Uncertain significance (3). Last evaluated 2026-05-07.

Conditions:
Epidermolysis bullosa simplex 5C, with pyloric atresia (EBS5C). Also called: PLEC-Related Epidermolysis Bullosa with Pyloric Atresia; Epidermolysis bullosa simplex with pyloric atresia; PLEC1-Related Epidermolysis Bullosa with Pyloric Atresia. Identifiers: Orphanet 158684, MedGen C2677349, MONDO:0012807, OMIM 612138.
Epidermolysis bullosa simplex 5B, with muscular dystrophy (EBS5B). Also called: Epidermolysis bullosa simplex with muscular dystrophy; EPIDERMOLYSIS BULLOSA SIMPLEX AND LIMB-GIRDLE MUSCULAR DYSTROPHY. Identifiers: Orphanet 257, MedGen C2931072, MONDO:0009181, OMIM 226670.
Epidermolysis bullosa simplex, Ogna type (EBS5A). Also called: Pidermolysis bullosa simplex 5A, Ogna type; EPIDERMOLYSIS BULLOSA SIMPLEX 5A, OGNA TYPE. Identifiers: Orphanet 79401, MedGen C0432317, MONDO:0007555, OMIM 131950.
Autosomal recessive limb-girdle muscular dystrophy type 2Q (LGMDR17). Also called: MUSCULAR DYSTROPHY, LIMB-GIRDLE, AUTOSOMAL RECESSIVE 17. Identifiers: Orphanet 254361, MedGen C3150989, MONDO:0013390, OMIM 613723.
Epidermolysis bullosa simplex with nail dystrophy (EBS5D). Identifiers: MedGen C4225309, MONDO:0014661, OMIM 616487.

Allele frequency attached by ClinVar (database versions not stated): gnomAD exomes 0.00005 and 0.00021; TOPMed 0.00015; 1000 Genomes Project 0.00040; gnomAD 0.00003 and 0.00001; ExAC 0.00016; 1000 Genomes Project 30x 0.00031.
gnomAD v4.1: 78 of 1,610,724 alleles (0.0048%); highest among the groups gnomAD compares: Admixed American, 0.082%; no homozygotes.

Submissions (3):

Women's Health and Genetics/Laboratory Corporation of America, LabCorp
Classification: Uncertain significance. Last evaluated: 2026-05-07. Review status: criteria provided, single submitter. Criteria: LabCorp Variant Classification Summary - May 2015. Collection method: clinical testing. Allele origin: germline.
Comment: Variant summary: PLEC c.10951G>A (p.Glu3651Lys) results in a conservative amino acid change in the encoded protein sequence. Algorithms developed to predict the effect of missense changes on protein structure and function are either unavailable or do not agree on the potential impact of this missense change. The variant allele was found at a frequency of 0.00021 in 246298 control chromosomes. This frequency is not significantly higher than estimated for disease-causing variants in PLEC, allowing no conclusion about variant significance. To our knowledge, no occurrence of c.10951G>A in individuals affected with PLEC-related conditions and no experimental evidence demonstrating its impact on protein function have been reported. ClinVar contains an entry for this variant (Variation ID: 471519). Based on the evidence outlined above, the variant was classified as uncertain significance.

Labcorp Genetics (formerly Invitae), Labcorp
Classification: Uncertain significance for Autosomal recessive limb-girdle muscular dystrophy type 2Q; Epidermolysis bullosa simplex, Ogna type; Epidermolysis bullosa simplex with nail dystrophy; Epidermolysis bullosa simplex 5C, with pyloric atresia; Epidermolysis bullosa simplex 5B, with muscular dystrophy. Last evaluated: 2025-09-09. Review status: criteria provided, single submitter. Criteria: Invitae Variant Classification Sherloc (09022015). Collection method: clinical testing. Allele origin: germline.
Comment: This sequence change replaces glutamic acid, which is acidic and polar, with lysine, which is basic and polar, at codon 3651 of the PLEC protein (p.Glu3651Lys). This variant is present in population databases (rs554393133, gnomAD 0.1%). This missense change has been observed in individual(s) with clinical features of limb-girdle muscular dystrophy (internal data). ClinVar contains an entry for this variant (Variation ID: 471519). An algorithm developed to predict the effect of missense changes on protein structure and function (PolyPhen-2) suggests that this variant is likely to be disruptive. In summary, the available evidence is currently insufficient to determine the role of this variant in disease. Therefore, it has been classified as a Variant of Uncertain Significance.

GeneDx
Classification: Uncertain significance. Last evaluated: 2019-11-04. Review status: criteria provided, single submitter. Criteria: GeneDx Variant Classification Process June 2021. Collection method: clinical testing. Allele origin: germline. Affected: yes.
Comment: In silico analysis, which includes protein predictors and evolutionary conservation, supports that this variant does not alter protein structure/function; Has not been previously published as pathogenic or benign to our knowledge